The following is an entry in ClinVar:

ClinVar aggregate classification (germline): Uncertain significance (1 of 4 stars; one submission).

Conditions:
Breast-ovarian cancer, familial, susceptibility to, 4. Identifiers: Orphanet 145, MedGen C3280345, MONDO:0013669, OMIM 614291.

Submission:

Labcorp Genetics (formerly Invitae), Labcorp
Classification: Uncertain significance for Breast-ovarian cancer, familial, susceptibility to, 4. Last evaluated: 2022-10-23. Review status: criteria provided, single submitter. Criteria: Invitae Variant Classification Sherloc (09022015). Collection method: clinical testing. Allele origin: germline.
Comment: In summary, the available evidence is currently insufficient to determine the role of this variant in disease. Therefore, it has been classified as a Variant of Uncertain Significance. Advanced modeling of protein sequence and biophysical properties (such as structural, functional, and spatial information, amino acid conservation, physicochemical variation, residue mobility, and thermodynamic stability) performed at Invitae indicates that this missense variant is not expected to disrupt RAD51D protein function. This variant has not been reported in the literature in individuals affected with RAD51D-related conditions. This variant is not present in population databases (gnomAD no frequency). This sequence change replaces isoleucine, which is neutral and non-polar, with valine, which is neutral and non-polar, at codon 167 of the RAD51D protein (p.Ile167Val).

NM_002878.4(RAD51D):c.499A>G (p.Ile167Val)

Genes: RAD51D (RAD51 paralog D; minus strand), RAD51L3-RFFL (RAD51L3-RFFL readthrough; minus strand). Cytogenetic location: 17q12.
Variant type: single nucleotide variant.
Coding change: c.499A>G on transcript NM_002878.4 (MANE Select); coding-DNA position 499, A replaced by G.
Protein change: p.Ile167Val; replaces isoleucine 167 with valine.
Molecular consequence: missense variant. On other transcripts: non-coding transcript variant (3).
Genome position (GRCh38, 1-based): chr17:35,106,463, T>C on the plus strand (A>G on the coding strand, the complement: RAD51D is on the minus strand). VCF-style: chr17-35106463-T-C. GRCh37 (hg19) VCF-style: chr17-33433482-T-C.
Other names: c.559A>G, p.Ile187Val (NM_001142571.2); c.163A>G, p.Ile55Val (NM_133629.3); short protein forms I167V, I187V, I55V.
Identifiers: ClinVar variation 2809390 (VCV002809390.3), dbSNP rs2142429553, ClinGen allele CA399088980.